The following is an entry in ClinVar:

NM_014423.4(AFF4):c.1208C>T (p.Pro403Leu)

Gene: AFF4 (ALF transcription elongation factor 4; minus strand). Cytogenetic location: 5q31.1.
Variant type: single nucleotide variant.
Coding change: c.1208C>T on transcript NM_014423.4 (MANE Select); coding-DNA position 1208, C replaced by T.
Protein change: p.Pro403Leu; replaces proline 403 with leucine.
Molecular consequence: missense variant.
Genome position (GRCh38, 1-based): chr5:132,899,122, G>A on the plus strand (C>T on the coding strand, the complement: AFF4 is on the minus strand). VCF-style: chr5-132899122-G-A. GRCh37 (hg19) VCF-style: chr5-132234814-G-A.
Other names: c.1208C>T (NM_014423.3); short protein forms P403L.
Identifiers: ClinVar variation 1447756 (VCV001447756.7), dbSNP rs1385541325, ClinGen allele CA360942517.

ClinVar aggregate classification (germline): Uncertain significance. Review status: criteria provided, single submitter (1 of 4 stars). 2 submissions from 2 submitters: Uncertain significance (1). 1 of the submissions does not count toward it. Last evaluated 2024-10-07.

Conditions:
Cognitive impairment - coarse facies - heart defects - obesity - pulmonary involvement - short stature - skeletal dysplasia syndrome. Also called: AFF4-Related CHOPS Syndrome; COGNITIVE IMPAIRMENT, COARSE FACIES, HEART DEFECTS, OBESITY, PULMONARY INVOLVEMENT, SHORT STATURE, AND SKELETAL DYSPLASIA; Chops syndrome. Identifiers: Orphanet 444077, MedGen C4085597, MONDO:0014609, OMIM 616368.
AFF4-related disorder. Also called: AFF4-related condition.

Allele frequency attached by ClinVar (database versions not stated): gnomAD 0.00001; gnomAD exomes 0.00001; TOPMed 0.00001.
gnomAD v4.1: 12 of 1,612,974 alleles (0.00074%); highest among the groups gnomAD compares: Admixed American, 0.0017%; no homozygotes.

Submissions (2):

Labcorp Genetics (formerly Invitae), Labcorp
Classification: Uncertain significance for Cognitive impairment - coarse facies - heart defects - obesity - pulmonary involvement - short stature - skeletal dysplasia syndrome. Last evaluated: 2024-10-07. Review status: criteria provided, single submitter. Criteria: Invitae Variant Classification Sherloc (09022015). Collection method: clinical testing. Allele origin: germline.
Comment: This sequence change replaces proline, which is neutral and non-polar, with leucine, which is neutral and non-polar, at codon 403 of the AFF4 protein (p.Pro403Leu). The frequency data for this variant in the population databases is considered unreliable, as metrics indicate poor data quality at this position in the gnomAD database. This variant has not been reported in the literature in individuals affected with AFF4-related conditions. ClinVar contains an entry for this variant (Variation ID: 1447756). Invitae Evidence Modeling of protein sequence and biophysical properties (such as structural, functional, and spatial information, amino acid conservation, physicochemical variation, residue mobility, and thermodynamic stability) indicates that this missense variant is not expected to disrupt AFF4 protein function with a negative predictive value of 80%. In summary, the available evidence is currently insufficient to determine the role of this variant in disease. Therefore, it has been classified as a Variant of Uncertain Significance.

PreventionGenetics, part of Exact Sciences
Classification: Uncertain significance for AFF4-related condition. Last evaluated: 2024-05-31. Review status: no assertion criteria provided. Collection method: clinical testing. Allele origin: germline. Not counted in ClinVar's aggregate classification.
Comment: The AFF4 c.1208C>T variant is predicted to result in the amino acid substitution p.Pro403Leu. To our knowledge, this variant has not been reported in the literature. This variant is reported in 0.0029% of alleles in individuals of Latino descent in gnomAD. At this time, the clinical significance of this variant is uncertain due to the absence of conclusive functional and genetic evidence.